The following is an entry in ClinVar:

NM_002470.4(MYH3):c.5317G>C (p.Glu1773Gln)

Gene: MYH3 (myosin heavy chain 3; minus strand). Cytogenetic location: 17p13.1.
Variant type: single nucleotide variant.
Coding change: c.5317G>C on transcript NM_002470.4 (MANE Select); coding-DNA position 5317, G replaced by C.
Protein change: p.Glu1773Gln; replaces glutamic acid 1773 with glutamine.
Molecular consequence: missense variant.
Genome position (GRCh38, 1-based): chr17:10,630,428, C>G on the plus strand (G>C on the coding strand, the complement: MYH3 is on the minus strand). VCF-style: chr17-10630428-C-G. GRCh37 (hg19) VCF-style: chr17-10533745-C-G.
Other names: short protein forms E1773Q.
Identifiers: ClinVar variation 3696877 (VCV003696877.2).
Genomic context (GRCh38, chr17:10,630,428, plus strand): 5'-CCTTCACCGTCTGTTCCAGGTTCTTCTTCATCCGCTCAAGGTGGGCGCTGGTGTCCTGCT[C>G]CTTCTTCAGCTCCTCCGCCATCATGGCAGCCTGAAAAGCACATGGGACTTGCTAGGATGC-3'
Protein context (NP_002461.2, residues 1763-1783): AAMMAEELKK[Glu1773Gln]QDTSAHLERM

ClinVar aggregate classification (germline): Uncertain significance (1 of 4 stars; one submission).

gnomAD v4.1: 5 of 1,614,210 alleles (0.00031%); highest among the groups gnomAD compares: Non-Finnish European, 0.00042%; no homozygotes.

Submission:

Labcorp Genetics (formerly Invitae), Labcorp
Classification: Uncertain significance. Last evaluated: 2024-03-18. Review status: criteria provided, single submitter. Criteria: Invitae Variant Classification Sherloc (09022015). Collection method: clinical testing. Allele origin: germline.
Comment: This sequence change replaces glutamic acid, which is acidic and polar, with glutamine, which is neutral and polar, at codon 1773 of the MYH3 protein (p.Glu1773Gln). This variant is present in population databases (no rsID available, gnomAD 0.0009%). This variant has not been reported in the literature in individuals affected with MYH3-related conditions. Advanced modeling of protein sequence and biophysical properties (such as structural, functional, and spatial information, amino acid conservation, physicochemical variation, residue mobility, and thermodynamic stability) performed at Invitae indicates that this missense variant is not expected to disrupt MYH3 protein function with a negative predictive value of 95%. In summary, the available evidence is currently insufficient to determine the role of this variant in disease. Therefore, it has been classified as a Variant of Uncertain Significance.